The following is an entry in ClinVar:

NM_003482.4(KMT2D):c.11700_11717del (p.3900LQQQQQ[2])

Gene: KMT2D (lysine methyltransferase 2D; minus strand). Cytogenetic location: 12q13.12.
Variant type: Deletion.
Coding change: c.11700_11717del on transcript NM_003482.4 (MANE Select); coding-DNA positions 11700 to 11717, 18 bases deleted (TCAGCAGCAGCAGCAGCT).
Protein change: p.3900LQQQQQ[2].
Molecular consequence: inframe deletion.
Genome position (GRCh38, 1-based): chr12:49,032,988-49,033,005, AGCTGCTGCTGCTGCTGA deleted on the plus strand (TCAGCAGCAGCAGCAGCT on the coding strand, the reverse complement: KMT2D is on the minus strand); deleting any 18 consecutive bases within chr12:49,032,988-49,033,013 gives the same sequence; the c. name uses the placement nearest the transcript's 3' end. VCF-style (leftmost placement, unchanged base first): chr12-49032987-CAGCTGCTGCTGCTGCTGA-C. GRCh37 (hg19) VCF-style: chr12-49426770-CAGCTGCTGCTGCTGCTGA-C.
Identifiers: ClinVar variation 1368510 (VCV001368510.9), dbSNP rs2120437569, ClinGen allele CA2573148659.
Genomic context (GRCh38, chr12:49,032,987, plus strand): 5'-AAGTTGCTGTTGCTGTTGTAGCTGCTGCTGCTGCTGCTGCTGAAGTTGCTGTTGCTGTTG[CAGCTGCTGCTGCTGCTGA>C]AGCTGCTGTAAAGAGCCCATGGGCTGAGCGCTCAGTTTGGGCTGCCCACTGTGTGACATC-3'

ClinVar aggregate classification (germline): Uncertain significance (1 of 4 stars; one submission).

Conditions:
Kabuki syndrome. Also called: NIIKAWA-KUROKI SYNDROME; Kabuki make-up syndrome. Identifiers: Orphanet 2322, MedGen C0796004, MONDO:0016512.

Submission:

Labcorp Genetics (formerly Invitae), Labcorp
Classification: Uncertain significance for Kabuki syndrome. Last evaluated: 2025-04-19. Review status: criteria provided, single submitter. Criteria: Invitae Variant Classification Sherloc (09022015). Collection method: clinical testing. Allele origin: germline.
Comment: This variant, c.11700_11717del, results in the deletion of 6 amino acid(s) of the KMT2D protein (p.Leu3912_Gln3917del), but otherwise preserves the integrity of the reading frame. This variant is not present in population databases (gnomAD no frequency). This variant has not been reported in the literature in individuals affected with KMT2D-related conditions. ClinVar contains an entry for this variant (Variation ID: 1368510). Experimental studies and prediction algorithms are not available or were not evaluated, and the functional significance of this variant is currently unknown. In summary, the available evidence is currently insufficient to determine the role of this variant in disease. Therefore, it has been classified as a Variant of Uncertain Significance.